The following continues an entry in ClinVar:

NM_007294.4(BRCA1):c.5165C>T (p.Ser1722Phe)

Gene: BRCA1. ClinVar aggregate classification (germline): Conflicting classifications of pathogenicity. Pathogenic (6); Likely pathogenic (10); Uncertain significance (1).

Submission 22 of 22:

Department of Pathology and Laboratory Medicine, Sinai Health System
Classification: Likely pathogenic for Malignant tumor of breast. Review status: no assertion criteria provided. Collection method: clinical testing. Allele origin: unknown. Affected: yes. Study: The Canadian Open Genetics Repository (COGR). Not counted in ClinVar's aggregate classification.
Comment: The BRCA1 p.Ser1722Ph variant falls within the BRCA1 C-terminus (BRCT) domain and was shown, in a yeast based transcription activation assay, to be temperature sensitive whereby activity was abolished at 37oC, and therefore likely represents a cancer-associated variant (Carvalho 2002). Lee et al (2010) used 3 biochemical and cell-based transcriptional assays to show that the variant had a strong functional effect and is likely associated with increased cancer risk. Other functional/computational models validated by such biochemical assays have also shown the variant to be deleterious (Mirkovic 2004, Karchin 2007). The variant was also identified in dbSNP (ID: rs80357104) â€šÃ„ÃºWith other alleleâ€šÃ„Ã¹, but no frequency information was provided, the variant was not identified in NHLBI Exome Sequencing Project (Exome Variant Server), Exome Aggregation Consortium (ExAC) or the 1000 Genomes Browser. The variant was present in the Clinvitae database, the ClinVar database (with conflicting interpretations of pathogenicity: classified as pathogenic by Sharing Clinical Reports Project derived from Myriad reports; uncertain significance by BIC, and classification not provided by Invitae), Fanconi Anemia Mutation Database (LOVD), COSMIC (1x in a cervical tissue/squamous cell carcinoma), the BIC database (2X with unknown clinical importance), and UMD (1X with a 3-UV â€šÃ„Ã¹unclassified variantâ€šÃ„Ã¹). The p.Ser1722 residue is conserved across mammals and most other organisms, and four out of five computational analyses (PolyPhen-2, SIFT, AlignGVGD, BLOSUM, MutationTaster) suggest that the Phe variant may impact the protein; however, this information is not predictive enough to assume pathogenicity. In summary, based on the above information, this variant meets our laboratoryâ€šÃ„Ã´s criteria to be classified as likely pathogenic.

Literature cited by the submitters: PubMed 16267036 (cited by 4 submitters); PubMed 15385441 (cited by Women's Health and Genetics/Laboratory Corporation of America, LabCorp and Laboratory for Molecular Medicine, Mass General Brigham Personalized Medicine); PubMed 15172985 (cited by 6 submitters); PubMed 20516115 (cited by 7 submitters); PubMed 17305420 (cited by 4 submitters); PubMed 20378548 (cited by Women's Health and Genetics/Laboratory Corporation of America, LabCorp); PubMed 12496477 (cited by 7 submitters); PubMed 22476429 (cited by 5 submitters); PubMed 23704879 (cited by 3 submitters); PubMed 25085752 (cited by 5 submitters); PubMed 24845084 (cited by Women's Health and Genetics/Laboratory Corporation of America, LabCorp); PubMed 29446198 (cited by 4 submitters); PubMed 30093976 (cited by 5 submitters); PubMed 30209399 (cited by Women's Health and Genetics/Laboratory Corporation of America, LabCorp and Ambry Genetics); PubMed 28781887 (cited by 3 submitters); PubMed 30765603 (cited by 3 submitters); PubMed 31481248 (cited by Women's Health and Genetics/Laboratory Corporation of America, LabCorp and Quest Diagnostics Nichols Institute San Juan Capistrano); PubMed 30264118 (cited by Women's Health and Genetics/Laboratory Corporation of America, LabCorp and Color Diagnostics, LLC DBA Color Health); PubMed 33206196 (cited by Women's Health and Genetics/Laboratory Corporation of America, LabCorp and Color Diagnostics, LLC DBA Color Health); PubMed 33010199 (cited by 3 submitters); PubMed 30875412 (cited by Women's Health and Genetics/Laboratory Corporation of America, LabCorp); PubMed 38333895 (cited by Women's Health and Genetics/Laboratory Corporation of America, LabCorp); PubMed 28888541 (cited by Labcorp Genetics (formerly Invitae), Labcorp and Color Diagnostics, LLC DBA Color Health); PubMed 35264596 (cited by Labcorp Genetics (formerly Invitae), Labcorp); PubMed 31447099 (cited by Ambry Genetics); PubMed 33526602 (cited by Color Diagnostics, LLC DBA Color Health and All of Us Research Program, National Institutes of Health); PubMed 26295337 (cited by Quest Diagnostics Nichols Institute San Juan Capistrano and Laboratory for Molecular Medicine, Mass General Brigham Personalized Medicine).